The following is an entry in ClinVar:

ClinVar aggregate classification (germline): Uncertain significance (1 of 4 stars; one submission).

Conditions:
Hereditary cancer-predisposing syndrome. Also called: Neoplastic Syndromes, Hereditary; Tumor predisposition; Hereditary Cancer Syndrome; Hereditary neoplastic syndrome. Identifiers: Orphanet 140162, MedGen C0027672, MeSH D009386, MONDO:0015356.

Submission:

Ambry Genetics
Classification: Uncertain significance for Hereditary cancer-predisposing syndrome. Last evaluated: 2021-08-15. Review status: criteria provided, single submitter. Criteria: Ambry Variant Classification Scheme 2023. Collection method: clinical testing. Allele origin: germline.
Comment: The p.G1384R variant (also known as c.4150G>C), located in coding exon 21 of the DICER1 gene, results from a G to C substitution at nucleotide position 4150. The glycine at codon 1384 is replaced by arginine, an amino acid with dissimilar properties. This amino acid position is highly conserved in available vertebrate species. In addition, this alteration is predicted to be deleterious by in silico analysis. Since supporting evidence is limited at this time, the clinical significance of this alteration remains unclear.

NM_177438.3(DICER1):c.4150G>C (p.Gly1384Arg)

Gene: DICER1 (dicer 1, ribonuclease III; minus strand). Cytogenetic location: 14q32.13.
Variant type: single nucleotide variant.
Coding change: c.4150G>C on transcript NM_177438.3 (MANE Select); coding-DNA position 4150, G replaced by C.
Protein change: p.Gly1384Arg; replaces glycine 1384 with arginine.
Molecular consequence: missense variant. On other transcripts: non-coding transcript variant (6).
Genome position (GRCh38, 1-based): chr14:95,099,836, C>G on the plus strand (G>C on the coding strand, the complement: DICER1 is on the minus strand). VCF-style: chr14-95099836-C-G. GRCh37 (hg19) VCF-style: chr14-95566173-C-G.
Other names: c.4150G>C, p.Gly1384Arg (NM_001195573.1, NM_001271282.3, NM_001291628.2 and 13 more transcripts); c.3868G>C, p.Gly1290Arg (NM_001395686.1); c.3745G>C, p.Gly1249Arg (NM_001395687.1, NM_001395688.1, NM_001395689.1 and 2 more transcripts); c.3583G>C, p.Gly1195Arg (NM_001395691.1); c.2467G>C, p.Gly823Arg (NM_001395697.1); short protein forms G1249R, G1384R, G1195R, G823R, G1290R.
Identifiers: ClinVar variation 1738265 (VCV001738265.2), dbSNP rs2139901705, ClinGen allele CA390871924.
Genomic context (GRCh38, chr14:95,099,836, plus strand): 5'-TTACCATTTCATCTTTTTCCCATTTATCTGTGTTGCTTTTGTCTTGATTTACTACATAAC[C>G]AGGAGGAAGCCAATTCACAGGGGGATCAAATATTGACACCACCATGCGGCTGGGTAGTCC-3'
Protein context (NP_803187.1, residues 1374-1394): FDPPVNWLPP[Gly1384Arg]YVVNQDKSNT